The following is an entry in ClinVar:

ClinVar aggregate classification (germline): Uncertain significance (1 of 4 stars; one submission).

Conditions:
Hereditary cancer-predisposing syndrome. Also called: Neoplastic Syndromes, Hereditary; Hereditary neoplastic syndrome; Hereditary Cancer Syndrome; Tumor predisposition. Identifiers: Orphanet 140162, MedGen C0027672, MeSH D009386, MONDO:0015356.
Familial thoracic aortic aneurysm and aortic dissection (TAAD). Also called: Thoracic aortic aneurysms and dissections. Identifiers: Orphanet 91387, MedGen C4707243, MONDO:0019625.

Submission:

Ambry Genetics
Classification: Uncertain significance for Hereditary cancer-predisposing syndrome; Familial thoracic aortic aneurysm and aortic dissection. Last evaluated: 2026-05-29. Review status: criteria provided, single submitter. Criteria: Ambry Variant Classification Scheme 2023. Collection method: clinical testing. Allele origin: germline.
Comment: The p.G489R variant (also known as c.1465G>A), located in coding exon 11 of the SMAD4 gene, results from a G to A substitution at nucleotide position 1465. The glycine at codon 489 is replaced by arginine, an amino acid with dissimilar properties. This amino acid position is highly conserved in available vertebrate species. In addition, this alteration is predicted to be deleterious by in silico analysis. Based on the available evidence, the clinical significance of this variant remains unclear.

NM_005359.6(SMAD4):c.1465G>A (p.Gly489Arg)

Gene: SMAD4 (SMAD family member 4; plus strand). Cytogenetic location: 18q21.2.
Variant type: single nucleotide variant.
Coding change: c.1465G>A on transcript NM_005359.6 (MANE Select); coding-DNA position 1465, G replaced by A.
Protein change: p.Gly489Arg; replaces glycine 489 with arginine.
Molecular consequence: missense variant.
Genome position (GRCh38, 1-based): chr18:51,078,273, G>A. VCF-style: chr18-51078273-G-A. GRCh37 (hg19) VCF-style: chr18-48604643-G-A.
Other names: short protein forms G489R.
Identifiers: ClinVar variation 819190 (VCV000819190.5), dbSNP rs1599205232, ClinGen allele CA402465688.
Genomic context (GRCh38, chr18:51,078,273, plus strand): 5'-GATCACCCTGTCCCTCTGATGTCTTCCAAATCTTTTCTGTTAGGTCTGTCAGCTGCTGCT[G>A]GAATTGGTGTTGATGACCTTCGTCGCTTATGCATACTCAGGATGAGTTTTGTGAAAGGCT-3'
Protein context (NP_005350.1, residues 479-499): APAISLSAAA[Gly489Arg]IGVDDLRRLC